The following is an entry in ClinVar:

ClinVar aggregate classification (germline): Uncertain significance (1 of 4 stars; one submission).

Submission:

Women's Health and Genetics/Laboratory Corporation of America, LabCorp
Classification: Uncertain significance. Last evaluated: 2024-05-12. Review status: criteria provided, single submitter. Criteria: LabCorp Variant Classification Summary - May 2015. Collection method: clinical testing. Allele origin: germline.
Comment: Variant summary: TK2 c.311G>T (p.Arg104Leu) results in a non-conservative amino acid change located in the Deoxynucleoside kinase domain (IPR031314) of the encoded protein sequence. Four of five in-silico tools predict a damaging effect of the variant on protein function. The variant was absent in 250982 control chromosomes. The available data on variant occurrences in the general population are insufficient to allow any conclusion about variant significance. To our knowledge, no occurrence of c.311G>T in individuals affected with Mitochondrial DNA Depletion Syndrome - TK2 Related and no experimental evidence demonstrating its impact on protein function have been reported. No submitters have cited clinical-significance assessments for this variant to ClinVar. Based on the evidence outlined above, the variant was classified as uncertain significance.

NM_004614.5(TK2):c.311G>T (p.Arg104Leu)

Gene: TK2 (thymidine kinase 2; minus strand). Cytogenetic location: 16q21.
Variant type: single nucleotide variant.
Coding change: c.311G>T on transcript NM_004614.5 (MANE Select); coding-DNA position 311, G replaced by T.
Protein change: p.Arg104Leu; replaces arginine 104 with leucine.
Molecular consequence: missense variant. On other transcripts: non-coding transcript variant (1).
Genome position (GRCh38, 1-based): chr16:66,531,444, C>A on the plus strand (G>T on the coding strand, the complement: TK2 is on the minus strand). VCF-style: chr16-66531444-C-A. GRCh37 (hg19) VCF-style: chr16-66565347-C-A.
Other names: c.218G>T, p.Arg73Leu (NM_001172643.1, NM_001271935.1); c.236G>T, p.Arg79Leu (NM_001172644.2); c.257G>T, p.Arg86Leu (NM_001172645.2); c.164G>T, p.Arg55Leu (NM_001271934.2); c.20G>T, p.Arg7Leu (NM_001272050.2); short protein forms R104L, R55L, R73L, R79L, R7L, R86L.
Identifiers: ClinVar variation 3336033 (VCV003336033.1).